The following is an entry in ClinVar:

ClinVar aggregate classification (germline): Conflicting classifications of pathogenicity. Review status: criteria provided, conflicting classifications (1 of 4 stars). 3 submissions from 3 submitters: Uncertain significance (1); Likely benign (1). 1 of the submissions does not count toward it. Last evaluated 2025-07-02.

Conditions:
Cardiovascular phenotype. Identifiers: MedGen CN230736.
SPRED1-related disorder. Also called: SPRED1-related condition.
Legius syndrome. Identifiers: Orphanet 137605, MedGen C1969623, MONDO:0012669, OMIM 611431. Disease mechanism: loss of function.

Allele frequency attached by ClinVar (database versions not stated): TOPMed below 0.00001; gnomAD exomes 0.00003; ExAC 0.00005.

Submissions (3):

Labcorp Genetics (formerly Invitae), Labcorp
Classification: Uncertain significance for Legius syndrome. Last evaluated: 2025-07-02. Review status: criteria provided, single submitter. Criteria: Invitae Variant Classification Sherloc (09022015). Collection method: clinical testing. Allele origin: germline.
Comment: This sequence change replaces glutamic acid, which is acidic and polar, with lysine, which is basic and polar, at codon 129 of the SPRED1 protein (p.Glu129Lys). This variant is present in population databases (rs764823722, gnomAD 0.01%). This variant has not been reported in the literature in individuals affected with SPRED1-related conditions. ClinVar contains an entry for this variant (Variation ID: 1466561). Invitae Evidence Modeling of protein sequence and biophysical properties (such as structural, functional, and spatial information, amino acid conservation, physicochemical variation, residue mobility, and thermodynamic stability) indicates that this missense variant is not expected to disrupt SPRED1 protein function with a negative predictive value of 80%. In summary, the available evidence is currently insufficient to determine the role of this variant in disease. Therefore, it has been classified as a Variant of Uncertain Significance.

Ambry Genetics
Classification: Likely benign for Cardiovascular phenotype. Last evaluated: 2025-04-19. Review status: criteria provided, single submitter. Criteria: Ambry Variant Classification Scheme 2023. Collection method: clinical testing. Allele origin: germline.

PreventionGenetics, part of Exact Sciences
Classification: Uncertain significance for SPRED1-related condition. Last evaluated: 2024-06-17. Review status: no assertion criteria provided. Collection method: clinical testing. Allele origin: germline. Not counted in ClinVar's aggregate classification.
Comment: The SPRED1 c.385G>A variant is predicted to result in the amino acid substitution p.Glu129Lys. To our knowledge, this variant has not been reported in the literature. This variant is reported in 0.013% of alleles in individuals of South Asian descent in gnomAD. Although we suspect that this variant may be benign, at this time, the clinical significance of this variant is uncertain due to the absence of conclusive functional and genetic evidence.

NM_152594.3(SPRED1):c.385G>A (p.Glu129Lys)

Gene: SPRED1 (sprouty related EVH1 domain containing 1; plus strand). Cytogenetic location: 15q14.
Variant type: single nucleotide variant.
Coding change: c.385G>A on transcript NM_152594.3 (MANE Select); coding-DNA position 385, G replaced by A.
Protein change: p.Glu129Lys; replaces glutamic acid 129 with lysine.
Molecular consequence: missense variant.
Genome position (GRCh38, 1-based): chr15:38,324,771, G>A. VCF-style: chr15-38324771-G-A. GRCh37 (hg19) VCF-style: chr15-38616972-G-A.
Other names: c.385G>A (NM_152594.2); short protein forms E129K.
Identifiers: ClinVar variation 1466561 (VCV001466561.9), dbSNP rs764823722, ClinGen allele CA7470065.